The following is an entry in ClinVar:

ClinVar aggregate classification (germline): Uncertain significance (1 of 4 stars; one submission).

Conditions:
Familial cancer of breast. Also called: hereditary breast carcinoma; BREAST CANCER, FAMILIAL; Hereditary breast cancer. Identifiers: Orphanet 227535, MedGen C0346153, MONDO:0016419, OMIM 114480. Disease mechanism: loss of function.

Submission:

Labcorp Genetics (formerly Invitae), Labcorp
Classification: Uncertain significance for Familial cancer of breast. Last evaluated: 2023-06-23. Review status: criteria provided, single submitter. Criteria: Invitae Variant Classification Sherloc (09022015). Collection method: clinical testing. Allele origin: germline.
Comment: In summary, the available evidence is currently insufficient to determine the role of this variant in disease. Therefore, it has been classified as a Variant of Uncertain Significance. Advanced modeling of protein sequence and biophysical properties (such as structural, functional, and spatial information, amino acid conservation, physicochemical variation, residue mobility, and thermodynamic stability) performed at Invitae indicates that this missense variant is not expected to disrupt PALB2 protein function. This variant has not been reported in the literature in individuals affected with PALB2-related conditions. This variant is not present in population databases (gnomAD no frequency). This sequence change replaces serine, which is neutral and polar, with threonine, which is neutral and polar, at codon 382 of the PALB2 protein (p.Ser382Thr).

NM_024675.4(PALB2):c.1145G>C (p.Ser382Thr)

Gene: PALB2 (partner and localizer of BRCA2; minus strand). Cytogenetic location: 16p12.2.
Variant type: single nucleotide variant.
Coding change: c.1145G>C on transcript NM_024675.4 (MANE Select); coding-DNA position 1145, G replaced by C.
Protein change: p.Ser382Thr; replaces serine 382 with threonine.
Molecular consequence: missense variant. On other transcripts: intron variant (3).
Genome position (GRCh38, 1-based): chr16:23,635,401, C>G on the plus strand (G>C on the coding strand, the complement: PALB2 is on the minus strand). VCF-style: chr16-23635401-C-G. GRCh37 (hg19) VCF-style: chr16-23646722-C-G.
Other names: c.1085G>C, p.Ser362Thr (NM_001407296.1); c.1145G>C, p.Ser382Thr (NM_001407297.1, NM_001407298.1, NM_001407299.1 and 3 more transcripts); c.260G>C, p.Ser87Thr (NM_001407304.1, NM_001407305.1, NM_001407306.1 and 5 more transcripts); c.48+5709G>C (NM_001407314.1); c.-104-4932G>C (NM_001407313.1, NM_001407312.1); short protein forms S87T, S362T, S382T.
Identifiers: ClinVar variation 2726119 (VCV002726119.3), dbSNP rs515726063, ClinGen allele CA395133573.